The following is an entry in ClinVar:

NM_012452.3(TNFRSF13B):c.357G>C (p.Arg119Ser)

Gene: TNFRSF13B (TNF receptor superfamily member 13B; minus strand). Cytogenetic location: 17p11.2.
Variant type: single nucleotide variant.
Coding change: c.357G>C on transcript NM_012452.3 (MANE Select); coding-DNA position 357, G replaced by C.
Protein change: p.Arg119Ser; replaces arginine 119 with serine.
Molecular consequence: missense variant.
Genome position (GRCh38, 1-based): chr17:16,948,826, C>G on the plus strand (G>C on the coding strand, the complement: TNFRSF13B is on the minus strand). VCF-style: chr17-16948826-C-G. GRCh37 (hg19) VCF-style: chr17-16852140-C-G.
Other names: short protein forms R119S.
Identifiers: ClinVar variation 1426845 (VCV001426845.5), dbSNP rs374322117, ClinGen allele CA8414030.
Genomic context (GRCh38, chr17:16,948,826, plus strand): 5'-CAATCCTTGGTACCTTCCCGAGTTGTCTGAATTGTTTTCAACTTCTCCACTCCGCTGTCT[C>G]CTGAGCTCTGGTGGAAGGTTCACTGGGCTCCTGAGCTTGTTCTCACAGAAGTATGCACAT-3'
Protein context (NP_036584.1, residues 109-129): RSPVNLPPEL[Arg119Ser]RQRSGEVENN

ClinVar aggregate classification (germline): Uncertain significance (1 of 4 stars; one submission).

Conditions:
Immunodeficiency, common variable, 2 (CVID2). Also called: ANTIBODY DEFICIENCY DUE TO TACI DEFECT; HYPOGAMMAGLOBULINEMIA DUE TO TACI DEFICIENCY. Identifiers: Orphanet 1572, MedGen C3150354, MONDO:0009413, OMIM 240500.

Allele frequency attached by ClinVar (database versions not stated): gnomAD 0.00001 and 0.00007; 1000 Genomes Project 0.00060; 1000 Genomes Project 30x 0.00047.
gnomAD v4.1: 164 of 1,614,226 alleles (0.01%); highest among the groups gnomAD compares: South Asian, 0.18%; 6 homozygotes.

Submission:

Labcorp Genetics (formerly Invitae), Labcorp
Classification: Uncertain significance for Immunodeficiency, common variable, 2. Last evaluated: 2021-09-01. Review status: criteria provided, single submitter. Criteria: Invitae Variant Classification Sherloc (09022015). Collection method: clinical testing. Allele origin: germline.
Comment: This sequence change replaces arginine with serine at codon 119 of the TNFRSF13B protein (p.Arg119Ser). The arginine residue is highly conserved and there is a moderate physicochemical difference between arginine and serine. This variant is present in population databases (rs374322117, ExAC 0.2%). This variant has not been reported in the literature in individuals affected with TNFRSF13B-related conditions. Algorithms developed to predict the effect of missense changes on protein structure and function are either unavailable or do not agree on the potential impact of this missense change (SIFT: "Tolerated"; PolyPhen-2: "Possibly Damaging"; Align-GVGD: "Class C0"). In summary, the available evidence is currently insufficient to determine the role of this variant in disease. Therefore, it has been classified as a Variant of Uncertain Significance.